The following is an entry in ClinVar:

ClinVar aggregate classification (germline): Uncertain significance (1 of 4 stars; one submission).

Submission:

GeneDx
Classification: Uncertain significance. Last evaluated: 2025-01-31. Review status: criteria provided, single submitter. Criteria: GeneDx Variant Classification Process June 2021. Collection method: clinical testing. Allele origin: germline. Affected: yes.
Comment: Not observed at significant frequency in large population cohorts (gnomAD); In silico analysis supports that this missense variant has a deleterious effect on protein structure/function; Has not been previously published as pathogenic or benign to our knowledge

NM_014974.3(DIP2C):c.413A>C (p.Glu138Ala)

Gene: DIP2C (disco interacting protein 2 homolog C; minus strand). Cytogenetic location: 10p15.3.
Variant type: single nucleotide variant.
Coding change: c.413A>C on transcript NM_014974.3 (MANE Select); coding-DNA position 413, A replaced by C.
Protein change: p.Glu138Ala; replaces glutamic acid 138 with alanine.
Molecular consequence: missense variant.
Genome position (GRCh38, 1-based): chr10:423,015, T>G on the plus strand (A>C on the coding strand, the complement: DIP2C is on the minus strand). VCF-style: chr10-423015-T-G. GRCh37 (hg19) VCF-style: chr10-468955-T-G.
Other names: short protein forms E138A.
Identifiers: ClinVar variation 4072779 (VCV004072779.1).
Genomic context (GRCh38, chr10:423,015, plus strand): 5'-ATGCTGCCCTGGCTGGAGGTGGGGGTGCCCTGGGAGTCCCCCTGCACTGAGCCTTCATCT[T>G]CTGAGCCAGAAGAGGTATCTGTGTAAGAAGAAAGGTGATTTGCTGTATGTTGCAGCAAAA-3'
Protein context (NP_055789.1, residues 128-148): YTPPDTSSGS[Glu138Ala]DEGSVQGDSQ